The following is an entry in ClinVar:

ClinVar aggregate classification (germline): Uncertain significance. Review status: criteria provided, multiple submitters, no conflicts (2 of 4 stars). 2 submissions from 2 submitters: Uncertain significance (2). Last evaluated 2024-05-29.

Conditions:
3-methylglutaconic aciduria with deafness, encephalopathy, and Leigh-like syndrome (MEGDEL). Also called: SERAC1 Deficiency; MEGDEL syndrome; 3-METHYLGLUTACONIC ACIDURIA, TYPE VI. Identifiers: Orphanet 352328, MedGen C4040739, MONDO:0013875, OMIM 614739.
Inborn genetic diseases. Identifiers: MedGen C0950123, MeSH D030342.

Allele frequency attached by ClinVar (database versions not stated): gnomAD 0.00002; gnomAD exomes 0.00002 and 0.00004; ExAC 0.00003.
gnomAD v4.1: 36 of 1,613,056 alleles (0.0022%); highest among the groups gnomAD compares: South Asian, 0.039%; 1 homozygote.

Submissions (2):

Ambry Genetics
Classification: Uncertain significance for Inborn genetic diseases. Last evaluated: 2024-05-29. Review status: criteria provided, single submitter. Criteria: Ambry Variant Classification Scheme 2023. Collection method: clinical testing. Allele origin: germline.

Labcorp Genetics (formerly Invitae), Labcorp
Classification: Uncertain significance for 3-methylglutaconic aciduria with deafness, encephalopathy, and Leigh-like syndrome. Last evaluated: 2021-12-03. Review status: criteria provided, single submitter. Criteria: Invitae Variant Classification Sherloc (09022015). Collection method: clinical testing. Allele origin: germline.
Comment: This sequence change replaces isoleucine, which is neutral and non-polar, with methionine, which is neutral and non-polar, at codon 285 of the SERAC1 protein (p.Ile285Met). This variant is present in population databases (rs745441822, gnomAD 0.04%), including at least one homozygous and/or hemizygous individual. This variant has not been reported in the literature in individuals affected with SERAC1-related conditions. Algorithms developed to predict the effect of missense changes on protein structure and function are either unavailable or do not agree on the potential impact of this missense change (SIFT: "Deleterious"; PolyPhen-2: "Benign"; Align-GVGD: "Class C0"). In summary, the available evidence is currently insufficient to determine the role of this variant in disease. Therefore, it has been classified as a Variant of Uncertain Significance.

NM_032861.4(SERAC1):c.855A>G (p.Ile285Met)

Gene: SERAC1 (serine active site containing 1; minus strand). Cytogenetic location: 6q25.3.
Variant type: single nucleotide variant.
Coding change: c.855A>G on transcript NM_032861.4 (MANE Select); coding-DNA position 855, A replaced by G.
Protein change: p.Ile285Met; replaces isoleucine 285 with methionine.
Molecular consequence: missense variant. On other transcripts: non-coding transcript variant (1).
Genome position (GRCh38, 1-based): chr6:158,128,268, T>C on the plus strand (A>G on the coding strand, the complement: SERAC1 is on the minus strand). VCF-style: chr6-158128268-T-C. GRCh37 (hg19) VCF-style: chr6-158549300-T-C.
Other names: c.855A>G (NM_032861.3); short protein forms I285M.
Identifiers: ClinVar variation 1445369 (VCV001445369.6), dbSNP rs745441822, ClinGen allele CA4071243.